The following is an entry in ClinVar:

ClinVar aggregate classification (germline): Benign/Likely benign. Review status: criteria provided, multiple submitters, no conflicts (2 of 4 stars). 4 submissions from 4 submitters: Benign (1); Likely benign (2). 1 of the submissions does not count toward it. Last evaluated 2025-10-14.

Conditions:
TSPEAR-related disorder. Also called: TSPEAR-related condition.

Allele frequency attached by ClinVar (database versions not stated): gnomAD 0.00009 and 0.00011; TOPMed 0.00014; ESP Exome Variant Server 0.00015; gnomAD exomes 0.00017 and 0.00032; ExAC 0.00034.
gnomAD v4.1: 277 of 1,612,532 alleles (0.017%); highest among the groups gnomAD compares: Middle Eastern, 0.21%; 4 homozygotes.

Submissions (4):

Labcorp Genetics (formerly Invitae), Labcorp
Classification: Likely benign. Last evaluated: 2025-10-14. Review status: criteria provided, single submitter. Criteria: Invitae Variant Classification Sherloc (09022015). Collection method: clinical testing. Allele origin: germline.

GeneDx
Classification: Benign. Last evaluated: 2018-06-25. Review status: criteria provided, single submitter. Criteria: GeneDx Variant Classification Process June 2021. Collection method: clinical testing. Allele origin: germline. Affected: yes.

Laboratory for Molecular Medicine, Mass General Brigham Personalized Medicine
Classification: Likely benign. Last evaluated: 2016-06-09. Review status: criteria provided, single submitter. Criteria: LMM Criteria. Collection method: clinical testing. Allele origin: germline. Observed: 1 variant allele.
Comment: p.Thr137Thr in exon 3 of TSPEAR: This variant is not expected to have clinical s ignificance because it does not alter an amino acid residue and is not located w ithin the splice consensus sequence. It has been identified in 0.2% (26/16428) S outh Asian chromosomes including 3 homozygotes by the Exome Aggregation Consorti um (ExAC; dbSNP rs140923114).

PreventionGenetics, part of Exact Sciences
Classification: Likely benign for TSPEAR-related condition. Last evaluated: 2019-06-10. Review status: no assertion criteria provided. Collection method: clinical testing. Allele origin: germline. Not counted in ClinVar's aggregate classification.
Comment: This variant is classified as likely benign based on ACMG/AMP sequence variant interpretation guidelines (Richards et al. 2015 PMID: 25741868, with internal and published modifications).

NM_144991.3(TSPEAR):c.411G>A (p.Thr137=)

Gene: TSPEAR (thrombospondin type laminin G domain and EAR repeats; minus strand). Cytogenetic location: 21q22.3.
Variant type: single nucleotide variant.
Coding change: c.411G>A on transcript NM_144991.3 (MANE Select); coding-DNA position 411, G replaced by A.
Protein change: p.Thr137=; no amino-acid change (threonine 137 retained).
Molecular consequence: synonymous variant.
Genome position (GRCh38, 1-based): chr21:44,533,816, C>T on the plus strand (G>A on the coding strand, the complement: TSPEAR is on the minus strand). VCF-style: chr21-44533816-C-T. GRCh37 (hg19) VCF-style: chr21-45953699-C-T.
Other names: c.207G>A, p.Thr69= (NM_001272037.2).
Identifiers: ClinVar variation 504829 (VCV000504829.13), dbSNP rs140923114, ClinGen allele CA10057029.